The following is an entry in ClinVar:

ClinVar aggregate classification (germline): Uncertain significance. Review status: criteria provided, multiple submitters, no conflicts (2 of 4 stars). 2 submissions from 2 submitters: Uncertain significance (2). Last evaluated 2025-08-28.

Conditions:
Inborn genetic diseases. Identifiers: MedGen C0950123, MeSH D030342.

Allele frequency attached by ClinVar (database versions not stated): gnomAD 0.00003; ExAC 0.00004; TOPMed 0.00005; gnomAD exomes 0.00007; 1000 Genomes Project 0.00020; 1000 Genomes Project 30x 0.00031.
gnomAD v4.1: 107 of 1,614,070 alleles (0.0066%); highest among the groups gnomAD compares: Admixed American, 0.012%; no homozygotes.

Submissions (2):

Ambry Genetics
Classification: Uncertain significance for Inborn genetic diseases. Last evaluated: 2025-08-28. Review status: criteria provided, single submitter. Criteria: Ambry Variant Classification Scheme 2023. Collection method: clinical testing. Allele origin: germline.

Labcorp Genetics (formerly Invitae), Labcorp
Classification: Uncertain significance. Last evaluated: 2022-04-23. Review status: criteria provided, single submitter. Criteria: Invitae Variant Classification Sherloc (09022015). Collection method: clinical testing. Allele origin: germline.
Comment: This sequence change replaces lysine, which is basic and polar, with glutamic acid, which is acidic and polar, at codon 378 of the SLC34A1 protein (p.Lys378Glu). This variant is present in population databases (rs201141640, gnomAD 0.008%). This variant has not been reported in the literature in individuals affected with SLC34A1-related conditions. Algorithms developed to predict the effect of missense changes on protein structure and function are either unavailable or do not agree on the potential impact of this missense change (SIFT: "Deleterious"; PolyPhen-2: "Benign"; Align-GVGD: "Class C0"). In summary, the available evidence is currently insufficient to determine the role of this variant in disease. Therefore, it has been classified as a Variant of Uncertain Significance.

NM_003052.5(SLC34A1):c.1132A>G (p.Lys378Glu)

Gene: SLC34A1 (solute carrier family 34 member 1; plus strand). Cytogenetic location: 5q35.3.
Variant type: single nucleotide variant.
Coding change: c.1132A>G on transcript NM_003052.5 (MANE Select); coding-DNA position 1132, A replaced by G.
Protein change: p.Lys378Glu; replaces lysine 378 with glutamic acid.
Molecular consequence: missense variant.
Genome position (GRCh38, 1-based): chr5:177,394,153, A>G. VCF-style: chr5-177394153-A-G. GRCh37 (hg19) VCF-style: chr5-176821154-A-G.
Other names: c.1132A>G (NM_003052.4); short protein forms K378E.
Identifiers: ClinVar variation 2152045 (VCV002152045.3), dbSNP rs201141640, ClinGen allele CA3580653.